The following is an entry in ClinVar:

NM_000091.5(COL4A3):c.4027+10C>T

Genes: COL4A3 (collagen type IV alpha 3 chain; plus strand), MFF-DT (MFF divergent transcript; minus strand). Cytogenetic location: 2q36.3.
Variant type: single nucleotide variant.
Coding change: c.4027+10C>T on transcript NM_000091.5 (MANE Select); 10 bases into the intron after coding-DNA position 4027, C replaced by T.
Molecular consequence: intron variant.
Genome position (GRCh38, 1-based): chr2:227,303,940, C>T. VCF-style: chr2-227303940-C-T. GRCh37 (hg19) VCF-style: chr2-228168656-C-T.
Identifiers: ClinVar variation 1096015 (VCV001096015.12), dbSNP rs778737711, ClinGen allele CA2147425.

ClinVar aggregate classification (germline): Likely benign. Review status: criteria provided, multiple submitters, no conflicts (2 of 4 stars). 3 submissions from 3 submitters: Likely benign (3). Last evaluated 2025-11-17.

Conditions:
COL4A3-related disorder. Also called: COL4A3-related condition; COL4A3-Related Disorders.

Allele frequency attached by ClinVar (database versions not stated): gnomAD exomes 0.00001 and 0.00004; ExAC 0.00002; gnomAD 0.00002.
gnomAD v4.1: 55 of 1,614,096 alleles (0.0034%); highest among the groups gnomAD compares: Non-Finnish European, 0.0043%; no homozygotes.

Submissions (3):

Labcorp Genetics (formerly Invitae), Labcorp
Classification: Likely benign. Last evaluated: 2025-11-17. Review status: criteria provided, single submitter. Criteria: Invitae Variant Classification Sherloc (09022015). Collection method: clinical testing. Allele origin: germline.

PreventionGenetics, part of Exact Sciences
Classification: Likely benign for COL4A3-related condition. Last evaluated: 2025-09-21. Review status: criteria provided, single submitter. Criteria: ACMG Guidelines, 2015. Collection method: clinical testing. Allele origin: germline.
Comment: This variant is classified as likely benign based on ACMG/AMP sequence variant interpretation guidelines (Richards et al. 2015 PMID: 25741868, with internal and published modifications).

Women's Health and Genetics/Laboratory Corporation of America, LabCorp
Classification: Likely benign. Last evaluated: 2024-12-12. Review status: criteria provided, single submitter. Criteria: LabCorp Variant Classification Summary - May 2015. Collection method: clinical testing. Allele origin: germline.